The following is an entry in ClinVar:

NM_001365276.2(TNXB):c.10024G>A (p.Val3342Ile)

Gene: TNXB (tenascin XB; minus strand). Cytogenetic location: 6p21.33.
Variant type: single nucleotide variant.
Coding change: c.10024G>A on transcript NM_001365276.2 (MANE Select); coding-DNA position 10024, G replaced by A.
Protein change: p.Val3342Ile; replaces valine 3342 with isoleucine.
Molecular consequence: missense variant.
Genome position (GRCh38, 1-based): chr6:32,048,384, C>T on the plus strand (G>A on the coding strand, the complement: TNXB is on the minus strand). VCF-style: chr6-32048384-C-T. GRCh37 (hg19) VCF-style: chr6-32016161-C-T.
Other names: c.10018G>A, p.Val3340Ile (NM_019105.8); short protein forms V3340I, V3342I.
Identifiers: ClinVar variation 1763021 (VCV001763021.2), dbSNP rs2483414164, ClinGen allele CA363533135.
Genomic context (GRCh38, chr6:32,048,384, plus strand): 5'-GAAGGCTCTGGCCGCGGGAGGCCTCCAGCCCTCACTCACCGGTCCTGGCCTCCACAGGGA[C>T]TGGGCCGTGGCGTTTCCCATTCTGGAGTCCAAAGAGCAGGAACTTGTACTTGCGGGCCGG-3'
Protein context (NP_001352205.1, residues 3332-3352): GLQNGKRHGP[Val3342Ile]PVEARTAPDT

ClinVar aggregate classification (germline): Uncertain significance (1 of 4 stars; one submission).

Conditions:
Cardiovascular phenotype. Identifiers: MedGen CN230736.

Submission:

Ambry Genetics
Classification: Uncertain significance for Cardiovascular phenotype. Last evaluated: 2021-08-31. Review status: criteria provided, single submitter. Criteria: Ambry Variant Classification Scheme 2023. Collection method: clinical testing. Allele origin: germline.
Comment: The p.V3340I variant (also known as c.10018G>A), located in coding exon 28 of the TNXB gene, results from a G to A substitution at nucleotide position 10018. The valine at codon 3340 is replaced by isoleucine, an amino acid with highly similar properties. This amino acid position is conserved. In addition, this alteration is predicted to be tolerated by in silico analysis. Since supporting evidence is limited at this time, the clinical significance of this alteration remains unclear.